The following is an entry in ClinVar:

NM_000097.7(CPOX):c.1055G>A (p.Arg352His)

Gene: CPOX (coproporphyrinogen oxidase; minus strand). Cytogenetic location: 3q11.2.
Variant type: single nucleotide variant.
Coding change: c.1055G>A on transcript NM_000097.7 (MANE Select); coding-DNA position 1055, G replaced by A.
Protein change: p.Arg352His; replaces arginine 352 with histidine.
Molecular consequence: missense variant.
Genome position (GRCh38, 1-based): chr3:98,585,558, C>T on the plus strand (G>A on the coding strand, the complement: CPOX is on the minus strand). VCF-style: chr3-98585558-C-T. GRCh37 (hg19) VCF-style: chr3-98304402-C-T.
Other names: short protein forms R352H.
Identifiers: ClinVar variation 4983206 (VCV004983206.1).

ClinVar aggregate classification (germline): Uncertain significance (1 of 4 stars; one submission).

Conditions:
CPOX-related disorder. Also called: CPOX-related condition; CPOX-related disorders.

gnomAD v4.1: 20 of 1,614,068 alleles (0.0012%); highest among the groups gnomAD compares: South Asian, 0.0033%; no homozygotes.

Submission:

PreventionGenetics, part of Exact Sciences
Classification: Uncertain significance for CPOX-related condition. Last evaluated: 2026-06-22. Review status: criteria provided, single submitter. Criteria: ACMG Guidelines, 2015. Collection method: clinical testing. Allele origin: germline.
Comment: The CPOX c.1055G>A variant is predicted to result in the amino acid substitution p.Arg352His. To our knowledge, this variant has not been reported in the literature. This variant is reported in 0.0065% of alleles in individuals of South Asian descent in gnomAD. At this time, the clinical significance of this variant is uncertain due to the absence of conclusive functional and genetic evidence.